The following is an entry in ClinVar:

NM_003394.4(WNT10B):c.515G>A (p.Ser172Asn)

Gene: WNT10B (Wnt family member 10B; minus strand). Cytogenetic location: 12q13.12.
Variant type: single nucleotide variant.
Coding change: c.515G>A on transcript NM_003394.4 (MANE Select); coding-DNA position 515, G replaced by A.
Protein change: p.Ser172Asn; replaces serine 172 with asparagine.
Molecular consequence: missense variant.
Genome position (GRCh38, 1-based): chr12:48,968,142, C>T on the plus strand (G>A on the coding strand, the complement: WNT10B is on the minus strand). VCF-style: chr12-48968142-C-T. GRCh37 (hg19) VCF-style: chr12-49361925-C-T.
Other names: short protein forms S172N.
Identifiers: ClinVar variation 2580052 (VCV002580052.1), dbSNP rs140227583, ClinGen allele CA6544153.
Genomic context (GRCh38, chr12:48,968,142, plus strand): 5'-TCCTGGGGGCCAGGGCTGGGGCTTGAGCCAGGGCCAGGGCTGGGCAGAGAGTGGGGGAAA[C>T]TCTTGCCTCGGGACAGTGCCTGCAGCTGCAGCAGTTTGGCCCTCAGCCGATCCTGCTCAC-3'
Protein context (NP_003385.2, residues 162-182): LQLQALSRGK[Ser172Asn]FPHSLPSPGP

ClinVar aggregate classification (germline): Uncertain significance (1 of 4 stars; one submission).

Allele frequency attached by ClinVar (database versions not stated): gnomAD 0.00007; TOPMed 0.00009; ExAC 0.00012; ESP Exome Variant Server 0.00031.
gnomAD v4.1: 309 of 1,614,146 alleles (0.019%); highest among the groups gnomAD compares: Non-Finnish European, 0.026%; no homozygotes.

Submission:

GeneDx
Classification: Uncertain significance. Last evaluated: 2023-03-15. Review status: criteria provided, single submitter. Criteria: GeneDx Variant Classification Process June 2021. Collection method: clinical testing. Allele origin: germline. Affected: yes.
Comment: In silico analysis supports that this missense variant does not alter protein structure/function; Has not been previously published as pathogenic or benign to our knowledge